The following is an entry in ClinVar:

ClinVar aggregate classification (germline): Uncertain significance (1 of 4 stars; one submission).

Submission:

Labcorp Genetics (formerly Invitae), Labcorp
Classification: Uncertain significance. Last evaluated: 2022-05-05. Review status: criteria provided, single submitter. Criteria: Invitae Variant Classification Sherloc (09022015). Collection method: clinical testing. Allele origin: germline.
Comment: Experimental studies and prediction algorithms are not available or were not evaluated, and the functional significance of this variant is currently unknown. In summary, the available evidence is currently insufficient to determine the role of this variant in disease. Therefore, it has been classified as a Variant of Uncertain Significance. This variant has not been reported in the literature in individuals affected with YARS2-related conditions. This variant, c.827_832del, results in the deletion of 2 amino acid(s) of the YARS2 protein (p.Ser276_Thr277del), but otherwise preserves the integrity of the reading frame. This variant is present in population databases (no rsID available, gnomAD 0.007%).

NM_001040436.3(YARS2):c.827_832del (p.Ser276_Thr277del)

Gene: YARS2 (tyrosyl-tRNA synthetase 2; minus strand). Cytogenetic location: 12p11.21.
Variant type: Deletion.
Coding change: c.827_832del on transcript NM_001040436.3 (MANE Select); coding-DNA positions 827 to 832, 6 bases deleted (GTACAA; older notation c.827_832delGTACAA).
Protein change: p.Ser276_Thr277del.
Molecular consequence: inframe deletion.
Genome position (GRCh38, 1-based): chr12:32,754,033-32,754,038, TTGTAC deleted on the plus strand (GTACAA on the coding strand, the reverse complement: YARS2 is on the minus strand); deleting any 6 consecutive bases within chr12:32,754,033-32,754,043 gives the same sequence; the c. name uses the placement nearest the transcript's 3' end. VCF-style (leftmost placement, unchanged base first): chr12-32754032-GTTGTAC-G. GRCh37 (hg19) VCF-style: chr12-32906966-GTTGTAC-G.
Identifiers: ClinVar variation 1948498 (VCV001948498.5), dbSNP rs1334493119, ClinGen allele CA604480527.